The following is an entry in ClinVar:

NM_138694.4(PKHD1):c.9913del (p.Ile3305fs)

Gene: PKHD1 (PKHD1 ciliary IPT domain containing fibrocystin/polyductin; minus strand). Cytogenetic location: 6p12.3.
Variant type: Deletion.
Coding change: c.9913del on transcript NM_138694.4 (MANE Select); coding-DNA position 9913, one base deleted (A; older notation c.9913delA).
Protein change: p.Ile3305fs; shifts the reading frame from isoleucine 3305.
Molecular consequence: frameshift variant.
Genome position (GRCh38, 1-based): chr6:51,746,806, T deleted on the plus strand (A on the coding strand, the reverse complement: PKHD1 is on the minus strand); the first of 2 consecutive T bases (chr6:51,746,806-51,746,807); deleting either gives the same sequence. VCF-style (leftmost placement, unchanged base first): chr6-51746805-AT-A. GRCh37 (hg19) VCF-style: chr6-51611603-AT-A.
Other names: c.9913del, p.Ile3305fs (NM_170724.3); short protein forms I3305fs.
Identifiers: ClinVar variation 5013419 (VCV005013419.1).

ClinVar aggregate classification (germline): Pathogenic (1 of 4 stars; one submission).

Conditions:
Polycystic kidney disease 4 (PKD4). Also called: POLYCYSTIC KIDNEY AND HEPATIC DISEASE 1; POLYCYSTIC KIDNEY DISEASE, INFANTILE, TYPE I; POLYCYSTIC KIDNEY DISEASE 4 WITH OR WITHOUT POLYCYSTIC LIVER DISEASE; PKD3; Autosomal Recessive Polycystic Kidney Disease – PKHD1. Identifiers: MedGen C4540575, MONDO:0033004, OMIM 263200.

Submission:

Myriad Genetics, Inc.
Classification: Pathogenic for Polycystic kidney disease 4. Last evaluated: 2024-08-06. Review status: criteria provided, single submitter. Criteria: Myriad Autosomal Dominant, Autosomal Recessive and X-Linked Classification Criteria (2023). Collection method: clinical testing. Allele origin: unknown.
Comment: NM_138694.3(PKHD1):c.9913delA(I3305Lfs*5) is expected to be pathogenic in the context of autosomal recessive polycystic kidney disease, PKHD1-related. This variant is predicted to lead to an abnormal or absent protein product due to the creation of a premature termination codon in PKHD1, a gene where loss-of-function variants are known to be pathogenic. Please note: this variant was assessed in the context of healthy population screening.